The following is an entry in ClinVar:

ClinVar aggregate classification (germline): Uncertain significance. Review status: criteria provided, multiple submitters, no conflicts (2 of 4 stars). 2 submissions from 2 submitters: Uncertain significance (2). Last evaluated 2025-04-09.

Conditions:
Inborn genetic diseases. Identifiers: MedGen C0950123, MeSH D030342.

Allele frequency attached by ClinVar (database versions not stated): gnomAD 0.00004 and 0.00003; TOPMed 0.00007; ExAC 0.00003; gnomAD exomes 0.00003.
gnomAD v4.1: 42 of 1,613,608 alleles (0.0026%); highest among the groups gnomAD compares: Non-Finnish European, 0.0031%; no homozygotes.

Submissions (2):

Ambry Genetics
Classification: Uncertain significance for Inborn genetic diseases. Last evaluated: 2025-04-09. Review status: criteria provided, single submitter. Criteria: Ambry Variant Classification Scheme 2023. Collection method: clinical testing. Allele origin: germline.

Labcorp Genetics (formerly Invitae), Labcorp
Classification: Uncertain significance. Last evaluated: 2021-09-01. Review status: criteria provided, single submitter. Criteria: Invitae Variant Classification Sherloc (09022015). Collection method: clinical testing. Allele origin: germline.
Comment: This sequence change replaces leucine with proline at codon 3781 of the FAT1 protein (p.Leu3781Pro). The leucine residue is highly conserved and there is a moderate physicochemical difference between leucine and proline. This variant is present in population databases (rs762086255, ExAC 0.005%). This variant has not been reported in the literature in individuals affected with FAT1-related conditions. Algorithms developed to predict the effect of missense changes on protein structure and function are either unavailable or do not agree on the potential impact of this missense change (SIFT: "Deleterious"; PolyPhen-2: "Benign"; Align-GVGD: "Class C0"). In summary, the available evidence is currently insufficient to determine the role of this variant in disease. Therefore, it has been classified as a Variant of Uncertain Significance.

NM_005245.4(FAT1):c.11342T>C (p.Leu3781Pro)

Genes: FAT1 (FAT atypical cadherin 1; minus strand), LOC126807254 (BRD4-independent group 4 enhancer GRCh37_chr4:187524269-187525468; plus strand). Cytogenetic location: 4q35.2.
Variant type: single nucleotide variant.
Coding change: c.11342T>C on transcript NM_005245.4 (MANE Select); coding-DNA position 11342, T replaced by C.
Protein change: p.Leu3781Pro; replaces leucine 3781 with proline.
Molecular consequence: missense variant.
Genome position (GRCh38, 1-based): chr4:186,603,184, A>G on the plus strand (T>C on the coding strand, the complement: FAT1 is on the minus strand). VCF-style: chr4-186603184-A-G. GRCh37 (hg19) VCF-style: chr4-187524338-A-G.
Other names: c.11342T>C (NM_005245.3); short protein forms L3781P.
Identifiers: ClinVar variation 1502438 (VCV001502438.7), dbSNP rs762086255, ClinGen allele CA3165147.
Genomic context (GRCh38, chr4:186,603,184, plus strand): 5'-GGCCGTCTGAAACCATCTGTGACACCGACTTTCATACACTCATGTGCAGTACCTTTGCAG[A>G]GACACACCGCTGCCCTGTGGTGGCGGGGAGTCACAAAACTCAGTCTGGCTGTGCTGTGTG-3'
Protein context (NP_005236.2, residues 3771-3791): TPRHHRAAVC[Leu3781Pro]CKEGRCPPVH